The following is an entry in ClinVar:

NM_177924.5(ASAH1):c.69C>G (p.His23Gln)

Gene: ASAH1 (N-acylsphingosine amidohydrolase 1; minus strand). Cytogenetic location: 8p22.
Variant type: single nucleotide variant.
Coding change: c.69C>G on transcript NM_177924.5 (MANE Select); coding-DNA position 69, C replaced by G.
Protein change: p.His23Gln; replaces histidine 23 with glutamine.
Molecular consequence: missense variant. On other transcripts: intron variant (2).
Genome position (GRCh38, 1-based): chr8:18,083,990, G>C on the plus strand (C>G on the coding strand, the complement: ASAH1 is on the minus strand). VCF-style: chr8-18083990-G-C. GRCh37 (hg19) VCF-style: chr8-17941499-G-C.
Other names: c.126+686C>G (NM_004315.6, NM_001127505.3); short protein forms H23Q.
Identifiers: ClinVar variation 1412158 (VCV001412158.4), dbSNP rs1412333581, ClinGen allele CA370435715.
Genomic context (GRCh38, chr8:18,083,990, plus strand): 5'-CGCGCCCGCACCTGCACGCCCCTCTCTGCGCCTCGGCTCAAGCTCACTCACCGGCGGCGC[G>C]TGCTGCGCGACGGCACAGCTGACGGCGGCAGCCAGGAGGACTAAGGCGACGCAACTCCGG-3'
Protein context (NP_808592.2, residues 13-33): AAAVSCAVAQ[His23Gln]APPWTEDCRK

ClinVar aggregate classification (germline): Uncertain significance (1 of 4 stars; one submission).

Allele frequency attached by ClinVar (database versions not stated): gnomAD 0.00001.
gnomAD v4.1: 3 of 1,597,804 alleles (0.00019%); highest among the groups gnomAD compares: East Asian, 0.0022%; no homozygotes.

Submission:

Labcorp Genetics (formerly Invitae), Labcorp
Classification: Uncertain significance. Last evaluated: 2022-08-15. Review status: criteria provided, single submitter. Criteria: Invitae Variant Classification Sherloc (09022015). Collection method: clinical testing. Allele origin: germline.
Comment: In summary, the available evidence is currently insufficient to determine the role of this variant in disease. Therefore, it has been classified as a Variant of Uncertain Significance. Algorithms developed to predict the effect of sequence changes on RNA splicing suggest that this variant may create or strengthen a splice site. Algorithms developed to predict the effect of missense changes on protein structure and function (SIFT, PolyPhen-2, Align-GVGD) all suggest that this variant is likely to be tolerated. ClinVar contains an entry for this variant (Variation ID: 1412158). This variant has not been reported in the literature in individuals affected with ASAH1-related conditions. This variant is not present in population databases (gnomAD no frequency). This sequence change replaces histidine, which is basic and polar, with glutamine, which is neutral and polar, at codon 23 of the ASAH1 protein (p.His23Gln).